The following is an entry in ClinVar:

ClinVar aggregate classification (germline): Uncertain significance. Review status: criteria provided, multiple submitters, no conflicts (2 of 4 stars). 2 submissions from 2 submitters: Uncertain significance (2). Last evaluated 2024-11-25.

Conditions:
Dystonic disorder. Also called: Dystonia. Identifiers: MedGen C0013421, MONDO:0003441, HP:0001332.

Allele frequency attached by ClinVar (database versions not stated): gnomAD 0.00001; TOPMed 0.00001; ExAC 0.00002.
gnomAD v4.1: 79 of 1,574,874 alleles (0.005%); highest among the groups gnomAD compares: Non-Finnish European, 0.0066%; no homozygotes.

Submissions (2):

Ambry Genetics
Classification: Uncertain significance. Last evaluated: 2024-11-25. Review status: criteria provided, single submitter. Criteria: Ambry Variant Classification Scheme 2023. Collection method: clinical testing. Allele origin: germline.

Labcorp Genetics (formerly Invitae), Labcorp
Classification: Uncertain significance for Dystonic disorder. Last evaluated: 2023-07-31. Review status: criteria provided, single submitter. Criteria: Invitae Variant Classification Sherloc (09022015). Collection method: clinical testing. Allele origin: germline.
Comment: An algorithm developed to predict the effect of missense changes on protein structure and function (PolyPhen-2) suggests that this variant is likely to be disruptive. In summary, the available evidence is currently insufficient to determine the role of this variant in disease. Therefore, it has been classified as a Variant of Uncertain Significance. This variant is present in population databases (rs747293336, gnomAD 0.005%). This variant has not been reported in the literature in individuals affected with CIZ1-related conditions. This sequence change replaces valine, which is neutral and non-polar, with isoleucine, which is neutral and non-polar, at codon 167 of the CIZ1 protein (p.Val167Ile).

NM_001131016.2(CIZ1):c.499G>A (p.Val167Ile)

Gene: CIZ1 (CDKN1A interacting zinc finger protein 1; minus strand). Cytogenetic location: 9q34.11.
Variant type: single nucleotide variant.
Coding change: c.499G>A on transcript NM_001131016.2 (MANE Select); coding-DNA position 499, G replaced by A.
Protein change: p.Val167Ile; replaces valine 167 with isoleucine.
Molecular consequence: missense variant.
Genome position (GRCh38, 1-based): chr9:128,185,636, C>T on the plus strand (G>A on the coding strand, the complement: CIZ1 is on the minus strand). VCF-style: chr9-128185636-C-T. GRCh37 (hg19) VCF-style: chr9-130947915-C-T.
Other names: c.499G>A (NM_012127.2); c.499G>A, p.Val167Ile (NM_001131015.2, NM_001131017.2, NM_012127.3); c.427G>A, p.Val143Ile (NM_001131018.2); c.589G>A, p.Val197Ile (NM_001257975.2); c.196G>A, p.Val66Ile (NM_001257976.2); short protein forms V143I, V197I, V167I, V66I.
Identifiers: ClinVar variation 3023564 (VCV003023564.4), dbSNP rs747293336, ClinGen allele CA5257571.